The following is an entry in ClinVar:

ClinVar aggregate classification (germline): Uncertain significance (1 of 4 stars; one submission).

gnomAD v4.1: 2 of 1,561,660 alleles (0.00013%); highest among the groups gnomAD compares: Non-Finnish European, 0.00017%; no homozygotes.

Submission:

GeneDx
Classification: Uncertain significance. Last evaluated: 2025-04-02. Review status: criteria provided, single submitter. Criteria: GeneDx Variant Classification Process June 2021. Collection method: clinical testing. Allele origin: germline. Affected: yes.
Comment: Not observed at significant frequency in large population cohorts (gnomAD); Nonsense variant predicted to result in protein truncation or nonsense mediated decay in a gene or region of a gene for which loss of function is not a well-established mechanism of disease; Has not been previously published as pathogenic or benign to our knowledge

NM_014264.5(PLK4):c.2050C>T (p.Arg684Ter)

Gene: PLK4 (polo like kinase 4; plus strand). Cytogenetic location: 4q28.1.
Variant type: single nucleotide variant.
Coding change: c.2050C>T on transcript NM_014264.5 (MANE Select); coding-DNA position 2050, C replaced by T.
Protein change: p.Arg684Ter; replaces arginine 684 with a stop codon.
Molecular consequence: nonsense. On other transcripts: synonymous variant (2).
Genome position (GRCh38, 1-based): chr4:127,892,376, C>T. VCF-style: chr4-127892376-C-T. GRCh37 (hg19) VCF-style: chr4-128813531-C-T.
Other names: c.1954C>T, p.Arg652Ter (NM_001190799.2); c.1927C>T, p.Arg643Ter (NM_001190801.2); c.2053C>T, p.Arg685Ter (NM_001441357.1); c.1951C>T, p.Arg651Ter (NM_001441358.1); c.1948C>T, p.Arg650Ter (NM_001441359.1); c.1909C>T, p.Arg637Ter (NM_001441360.1); c.1852C>T, p.Arg618Ter (NM_001441361.1); c.1947C>T, p.Gly649= (NM_001441362.1); and 5 more; short protein forms R477*, R594*, R603*, R609*, R618*, R637*, R643*, R650*.
Identifiers: ClinVar variation 4281762 (VCV004281762.1).